The following is an entry in ClinVar:

NM_000435.3(NOTCH3):c.83C>G (p.Pro28Arg)

Gene: NOTCH3 (notch receptor 3; minus strand). Cytogenetic location: 19p13.12.
Variant type: single nucleotide variant.
Coding change: c.83C>G on transcript NM_000435.3 (MANE Select); coding-DNA position 83, C replaced by G.
Protein change: p.Pro28Arg; replaces proline 28 with arginine.
Molecular consequence: missense variant.
Genome position (GRCh38, 1-based): chr19:15,200,823, G>C on the plus strand (C>G on the coding strand, the complement: NOTCH3 is on the minus strand). VCF-style: chr19-15200823-G-C. GRCh37 (hg19) VCF-style: chr19-15311634-G-C.
Other names: short protein forms P28R.
Identifiers: ClinVar variation 2979998 (VCV002979998.4), dbSNP rs750802043, ClinGen allele CA404483537.
Genomic context (GRCh38, chr19:15,200,823, plus strand): 5'-CATCCGCCAGGTCCCGGCCCCTCACCTGCAGCCCCCGGCCCCGCTAGCAGCAGCAGCAGG[G>C]GCAGCGCCCGCACGGGTGGCGGTGGCGGTGGCGGCGACATCGGGCGACGGCGGCGGCGGC-3'
Protein context (NP_000426.2, residues 18-38): PPPPPPVRAL[Pro28Arg]LLLLLAGPGA

ClinVar aggregate classification (germline): Uncertain significance. Review status: criteria provided, multiple submitters, no conflicts (2 of 4 stars). 2 submissions from 2 submitters: Uncertain significance (2). Last evaluated 2022-12-30.

Submissions (2):

Labcorp Genetics (formerly Invitae), Labcorp
Classification: Uncertain significance. Last evaluated: 2022-12-30. Review status: criteria provided, single submitter. Criteria: Invitae Variant Classification Sherloc (09022015). Collection method: clinical testing. Allele origin: germline.
Comment: This variant has not been reported in the literature in individuals affected with NOTCH3-related conditions. This sequence change replaces proline, which is neutral and non-polar, with arginine, which is basic and polar, at codon 28 of the NOTCH3 protein (p.Pro28Arg). This variant is not present in population databases (gnomAD no frequency). Advanced modeling of protein sequence and biophysical properties (such as structural, functional, and spatial information, amino acid conservation, physicochemical variation, residue mobility, and thermodynamic stability) has been performed at Invitae for this missense variant, however the output from this modeling did not meet the statistical confidence thresholds required to predict the impact of this variant on NOTCH3 protein function. In summary, the available evidence is currently insufficient to determine the role of this variant in disease. Therefore, it has been classified as a Variant of Uncertain Significance.

Blueprint Genetics
Classification: Uncertain significance. Last evaluated: 2021-01-22. Review status: criteria provided, single submitter. Criteria: ACMG Guidelines, 2015. Collection method: clinical testing. Allele origin: germline.